The following is an entry in ClinVar:

ClinVar aggregate classification (germline): Likely pathogenic (1 of 4 stars; one submission).

Submission:

GeneDx
Classification: Likely pathogenic. Last evaluated: 2023-06-19. Review status: criteria provided, single submitter. Criteria: GeneDx Variant Classification Process June 2021. Collection method: clinical testing. Allele origin: germline. Affected: yes.
Comment: Published functional studies demonstrate that T437N is a gain of function variant (Henrickson et al., 2019); Not observed at significant frequency in large population cohorts (gnomAD); In silico analysis supports that this missense variant has a deleterious effect on protein structure/function; This variant is associated with the following publications: (PMID: 34114647, 31114772)

NM_007315.4(STAT1):c.1310C>A (p.Thr437Asn)

Gene: STAT1 (signal transducer and activator of transcription 1; minus strand). Cytogenetic location: 2q32.2.
Variant type: single nucleotide variant.
Coding change: c.1310C>A on transcript NM_007315.4 (MANE Select); coding-DNA position 1310, C replaced by A.
Protein change: p.Thr437Asn; replaces threonine 437 with asparagine.
Molecular consequence: missense variant.
Genome position (GRCh38, 1-based): chr2:190,984,347, G>T on the plus strand (C>A on the coding strand, the complement: STAT1 is on the minus strand). VCF-style: chr2-190984347-G-T. GRCh37 (hg19) VCF-style: chr2-191849073-G-T.
Other names: c.1151C>A, p.Thr384Asn (NM_001384885.1); c.1310C>A, p.Thr437Asn (NM_001384886.1, NM_001384889.1, NM_139266.3); c.1217C>A, p.Thr406Asn (NM_001384887.1); c.1280C>A, p.Thr427Asn (NM_001384888.1); c.1220C>A, p.Thr407Asn (NM_001384890.1); c.1346C>A, p.Thr449Asn (NM_001384891.1); c.1250C>A, p.Thr417Asn (NM_001384880.1); c.1316C>A, p.Thr439Asn (NM_001384881.1, NM_001384884.1); and 2 more; short protein forms T384N, T404N, T406N, T407N, T417N, T427N, T435N, T437N.
Identifiers: ClinVar variation 2506763 (VCV002506763.1), dbSNP rs1692619276, ClinGen allele CA349917780.